The following is an entry in ClinVar:

ClinVar aggregate classification (germline): Uncertain significance (1 of 4 stars; one submission).

Conditions:
Nephronophthisis 14 (NPHP14). Identifiers: Orphanet 2318, MedGen C3539071, MONDO:0013916, OMIM 614844.

Allele frequency attached by ClinVar (database versions not stated): TOPMed 0.00001.

Submission:

Labcorp Genetics (formerly Invitae), Labcorp
Classification: Uncertain significance for Nephronophthisis 14. Last evaluated: 2022-08-07. Review status: criteria provided, single submitter. Criteria: Invitae Variant Classification Sherloc (09022015). Collection method: clinical testing. Allele origin: germline.
Comment: This sequence change replaces proline, which is neutral and non-polar, with threonine, which is neutral and polar, at codon 962 of the ZNF423 protein (p.Pro962Thr). This variant is not present in population databases (gnomAD no frequency). This variant has not been reported in the literature in individuals affected with ZNF423-related conditions. Algorithms developed to predict the effect of missense changes on protein structure and function are either unavailable or do not agree on the potential impact of this missense change (SIFT: "Tolerated"; PolyPhen-2: "Probably Damaging"; Align-GVGD: "Class C0"). In summary, the available evidence is currently insufficient to determine the role of this variant in disease. Therefore, it has been classified as a Variant of Uncertain Significance.

NM_001379286.1(ZNF423):c.2908C>A (p.Pro970Thr)

Gene: ZNF423 (zinc finger protein 423; minus strand). Cytogenetic location: 16q12.1.
Variant type: single nucleotide variant.
Coding change: c.2908C>A on transcript NM_001379286.1 (MANE Select); coding-DNA position 2908, C replaced by A.
Protein change: p.Pro970Thr; replaces proline 970 with threonine.
Molecular consequence: missense variant.
Genome position (GRCh38, 1-based): chr16:49,636,268, G>T on the plus strand (C>A on the coding strand, the complement: ZNF423 is on the minus strand). VCF-style: chr16-49636268-G-T. GRCh37 (hg19) VCF-style: chr16-49670179-G-T.
Other names: c.2704C>A, p.Pro902Thr (NM_001271620.2); c.2533C>A, p.Pro845Thr (NM_001330533.2); c.2884C>A, p.Pro962Thr (NM_015069.5); short protein forms P845T, P902T, P962T, P970T.
Identifiers: ClinVar variation 2051884 (VCV002051884.4), dbSNP rs1972697590, ClinGen allele CA395841119.
Genomic context (GRCh38, chr16:49,636,268, plus strand): 5'-TGTGGGTCACCTTGTGTTCGGTGAGCGTCAGCAGCGAAGGGAAGCGCTCACCACAGATGG[G>T]ACACATGTAGTGCTTGGCAGGGCCCCGGTGCGTCTGCAGGTGCTCCCGTAGCCCGTTCTC-3'
Protein context (NP_001366215.1, residues 960-980): HRGPAKHYMC[Pro970Thr]ICGERFPSLL